The following is an entry in ClinVar:

NM_001943.5(DSG2):c.2803G>A (p.Ala935Thr)

Genes: DSG2 (desmoglein 2; plus strand), DSG2-AS1 (DSG2 antisense RNA 1; minus strand). Cytogenetic location: 18q12.1.
Variant type: single nucleotide variant.
Coding change: c.2803G>A on transcript NM_001943.5 (MANE Select); coding-DNA position 2803, G replaced by A.
Protein change: p.Ala935Thr; replaces alanine 935 with threonine.
Molecular consequence: missense variant.
Genome position (GRCh38, 1-based): chr18:31,546,189, G>A. VCF-style: chr18-31546189-G-A. GRCh37 (hg19) VCF-style: chr18-29126152-G-A.
Other names: short protein forms A935T.
Identifiers: ClinVar variation 2004311 (VCV002004311.4), dbSNP rs2510922475, ClinGen allele CA402146796.
Genomic context (GRCh38, chr18:31,546,189, plus strand): 5'-AGGCAGGCGCAAAAGGTAGCTACACCTCTTCCTGACCCAATGGCTTCTAGAAATGTGATA[G>A]CAACAGAAACTTCCTATGTCACAGGGTCCACTATGCCACCAACCACTGTGATCCTGGGTC-3'
Protein context (NP_001934.2, residues 925-945): PDPMASRNVI[Ala935Thr]TETSYVTGST

ClinVar aggregate classification (germline): Uncertain significance (1 of 4 stars; one submission).

Conditions:
Arrhythmogenic right ventricular dysplasia 10. Also called: Arrhythmogenic right ventricular dysplasia/cardiomyopathy, type 10; Arrhythmogenic Right Ventricular Dysplasia/Cardiomyopathy10; ARRHYTHMOGENIC RIGHT VENTRICULAR DYSPLASIA, FAMILIAL, 10. Identifiers: MedGen C1857777, MONDO:0012434, OMIM 610193.

Allele frequency attached by ClinVar (database versions not stated): gnomAD exomes below 0.00001.
gnomAD v4.1: 1 of 1,613,902 alleles (0.000062%); highest among the groups gnomAD compares: Non-Finnish European, 0.000085%; no homozygotes.

Submission:

Labcorp Genetics (formerly Invitae), Labcorp
Classification: Uncertain significance for Arrhythmogenic right ventricular dysplasia 10. Last evaluated: 2022-06-10. Review status: criteria provided, single submitter. Criteria: Invitae Variant Classification Sherloc (09022015). Collection method: clinical testing. Allele origin: germline.
Comment: Algorithms developed to predict the effect of missense changes on protein structure and function (SIFT, PolyPhen-2, Align-GVGD) all suggest that this variant is likely to be tolerated. This variant has not been reported in the literature in individuals affected with DSG2-related conditions. This variant is not present in population databases (gnomAD no frequency). This sequence change replaces alanine, which is neutral and non-polar, with threonine, which is neutral and polar, at codon 935 of the DSG2 protein (p.Ala935Thr). In summary, the available evidence is currently insufficient to determine the role of this variant in disease. Therefore, it has been classified as a Variant of Uncertain Significance.